The following is an entry in ClinVar:

ClinVar aggregate classification (germline): Uncertain significance (1 of 4 stars; one submission).

Conditions:
Miller syndrome (POADS). Also called: GENEE-WIEDEMANN SYNDROME; Genee-Wiedemann acrofacial dysostosis. Identifiers: Orphanet 246, MedGen C0265257, MONDO:0009903, OMIM 263750.

Submission:

Juno Genomics, Hangzhou Juno Genomics, Inc
Classification: Uncertain significance for Miller syndrome. Review status: criteria provided, single submitter. Criteria: ACMG Guidelines, 2015. Collection method: clinical testing. Allele origin: germline.
Comment: Absent from controls (or at extremely low frequency if recessive) in Genome Aggregation Database.;Multiple lines of computational evidence support a deleterious effect on the gene or gene product.

NM_001361.5(DHODH):c.1037G>C (p.Arg346Pro)

Genes: DHODH (dihydroorotate dehydrogenase (quinone); plus strand), LOC126862390 (MED14-independent group 3 enhancer GRCh37_chr16:72057307-72058506; plus strand). Cytogenetic location: 16q22.2.
Variant type: single nucleotide variant.
Coding change: c.1037G>C on transcript NM_001361.5 (MANE Select); coding-DNA position 1037, G replaced by C.
Protein change: p.Arg346Pro; replaces arginine 346 with proline.
Molecular consequence: missense variant.
Genome position (GRCh38, 1-based): chr16:72,023,537, G>C. VCF-style: chr16-72023537-G-C. GRCh37 (hg19) VCF-style: chr16-72057436-G-C.
Other names: short protein forms R346P.
Identifiers: ClinVar variation 5005634 (VCV005005634.2).
Genomic context (GRCh38, chr16:72,023,537, plus strand): 5'-GAGTTCCCATAATTGGGGTTGGTGGTGTGAGCAGCGGGCAGGACGCGCTGGAGAAGATCC[G>C]GGCAGGGGCCTCCCTGGTGCAGCTGTACACGGCCCTCACCTTCTGGGGGCCACCCGTTGT-3'
Protein context (NP_001352.2, residues 336-356): SSGQDALEKI[Arg346Pro]AGASLVQLYT